The following is an entry in ClinVar:

ClinVar aggregate classification (germline): Pathogenic. Review status: criteria provided, multiple submitters, no conflicts (2 of 4 stars). 3 submissions from 3 submitters: Pathogenic (3). Last evaluated 2025-09-02.

Conditions:
Encephalopathy due to GLUT1 deficiency. Also called: GLUT1 deficiency syndrome 1, infantile onset, severe; GLUT1 deficiency syndrome 1; De Vivo disease; GLUCOSE TRANSPORT DEFECT, BLOOD-BRAIN BARRIER; Glucose transporter protein syndrome; Classic Glucose Transporter Type 1 Deficiency Syndrome. Identifiers: Orphanet 71277, MedGen C4551966, MONDO:0011724, OMIM 606777.
GLUT1 deficiency syndrome 1, autosomal recessive. Identifiers: MedGen C3149117.

Submissions (3):

Labcorp Genetics (formerly Invitae), Labcorp
Classification: Pathogenic for GLUT1 deficiency syndrome 1, autosomal recessive. Last evaluated: 2025-09-02. Review status: criteria provided, single submitter. Criteria: Invitae Variant Classification Sherloc (09022015). Collection method: clinical testing. Allele origin: germline.
Comment: This sequence change affects a donor splice site in intron 3 of the SLC2A1 gene. It is expected to disrupt RNA splicing. Variants that disrupt the donor or acceptor splice site typically lead to a loss of protein function (PMID: 16199547), and loss-of-function variants in SLC2A1 are known to be pathogenic (PMID: 21832227, 26193382). This variant is not present in population databases (gnomAD no frequency). Disruption of this splice site has been observed in individual(s) with GLUT1-deficiency syndrome (PMID: 30115503). In at least one individual the variant was observed to be de novo. ClinVar contains an entry for this variant (Variation ID: 1254825). Algorithms developed to predict the effect of sequence changes on RNA splicing suggest that this variant may disrupt the consensus splice site. For these reasons, this variant has been classified as Pathogenic.

3billion
Classification: Pathogenic for Encephalopathy due to GLUT1 deficiency. Last evaluated: 2024-12-18. Review status: criteria provided, single submitter. Criteria: ACMG Guidelines, 2015. Collection method: clinical testing. Allele origin: germline. Affected: yes.
Comment: The variant is not observed in the gnomAD v4.1.0 dataset. Predicted Consequence/Location: Canonical splice site: predicted to alter splicing and result in a loss or disruption of normal protein function. Multiple pathogenic loss-of-function variants are reported downstream of the variant. In silico tools predict the variant to alter splicing and produce an abnormal transcript [SpliceAI: 1.00 (spliceogenicity >=0.2, non-spliceogenicity <0.1)]. The variant has been reported to be associated with SLC2A1-related disorder (ClinVar ID: VCV001254825). Therefore, this variant is classified as Pathogenic according to the recommendation of ACMG/AMP guideline.

GeneDx
Classification: Pathogenic. Last evaluated: 2021-02-04. Review status: criteria provided, single submitter. Criteria: GeneDx Variant Classification Process June 2021. Collection method: clinical testing. Allele origin: germline. Affected: yes.
Comment: Canonical splice site variant predicted to result in a null allele in a gene for which loss-of-function is a known mechanism of disease; Not observed in large population cohorts (Lek et al., 2016); Has not been previously published as pathogenic or benign to our knowledge

Literature cited by the submitters: PubMed 16199547 (cited by Labcorp Genetics (formerly Invitae), Labcorp); PubMed 21832227 (cited by Labcorp Genetics (formerly Invitae), Labcorp); PubMed 26193382 (cited by Labcorp Genetics (formerly Invitae), Labcorp); PubMed 30115503 (cited by Labcorp Genetics (formerly Invitae), Labcorp).

NM_006516.4(SLC2A1):c.275+1G>C

Gene: SLC2A1 (solute carrier family 2 member 1; minus strand). Cytogenetic location: 1p34.2.
Variant type: single nucleotide variant.
Coding change: c.275+1G>C on transcript NM_006516.4 (MANE Select); the canonical splice donor site of the intron after coding-DNA position 275, G replaced by C.
Molecular consequence: splice donor variant.
Genome position (GRCh38, 1-based): chr1:42,931,045, C>G on the plus strand (G>C on the coding strand, the complement: SLC2A1 is on the minus strand). VCF-style: chr1-42931045-C-G. GRCh37 (hg19) VCF-style: chr1-43396716-C-G.
Identifiers: ClinVar variation 1254825 (VCV001254825.4), dbSNP rs2124450697, ClinGen allele CA339961531.